The following is an entry in ClinVar:

NM_000179.3(MSH6):c.3533del (p.Gly1178fs)

Gene: MSH6 (mutS homolog 6; plus strand). Cytogenetic location: 2p16.3.
Variant type: Deletion.
Coding change: c.3533del on transcript NM_000179.3 (MANE Select); coding-DNA position 3533, one base deleted (G; older notation c.3533delG).
Protein change: p.Gly1178fs; shifts the reading frame from glycine 1178.
Molecular consequence: frameshift variant.
Genome position (GRCh38, 1-based): chr2:47,805,004, G deleted; the last of 2 consecutive G bases (chr2:47,805,003-47,805,004); deleting either gives the same sequence. VCF-style (leftmost placement, unchanged base first): chr2-47805002-TG-T. GRCh37 (hg19) VCF-style: chr2-48032141-TG-T.
Other names: c.3143del, p.Gly1048fs (NM_001281492.2); c.2627del, p.Gly876fs (NM_001281493.2, NM_001281494.2); short protein forms G876fs, G1048fs, G1178fs.
Identifiers: ClinVar variation 1420573 (VCV001420573.6), dbSNP rs2104509253, ClinGen allele CA2573134746.
Genomic context (GRCh38, chr2:47,805,002, plus strand): 5'-TTGTTACGTCCCTGCTGAAGTGTGCAGGCTCACACCAATTGATAGAGTGTTTACTAGACT[TG>T]GTGCCTCAGACAGAATAATGTCAGGTGAGTTTTTTGTTTCCCACTTAAGTTCTCATTCAG-3'

ClinVar aggregate classification (germline): Pathogenic (1 of 4 stars; one submission).

Conditions:
Hereditary nonpolyposis colorectal neoplasms. Identifiers: MedGen C0009405, MeSH D003123.

Submission:

Labcorp Genetics (formerly Invitae), Labcorp
Classification: Pathogenic for Hereditary nonpolyposis colorectal neoplasms. Last evaluated: 2021-07-28. Review status: criteria provided, single submitter. Criteria: Invitae Variant Classification Sherloc (09022015). Collection method: clinical testing. Allele origin: germline.
Comment: For these reasons, this variant has been classified as Pathogenic. This variant has not been reported in the literature in individuals affected with MSH6-related conditions. This variant is not present in population databases (ExAC no frequency). This sequence change creates a premature translational stop signal (p.Gly1178Valfs*6) in the MSH6 gene. It is expected to result in an absent or disrupted protein product. Loss-of-function variants in MSH6 are known to be pathogenic (PMID: 18269114, 24362816).

Literature cited by the submitters: PubMed 18269114; PubMed 24362816.